The following is an entry in ClinVar:

ClinVar aggregate classification (germline): Pathogenic. Review status: criteria provided, multiple submitters, no conflicts (2 of 4 stars). 2 submissions from 2 submitters: Pathogenic (2). Last evaluated 2025-12-17.

Conditions:
Hereditary cancer-predisposing syndrome. Also called: Neoplastic Syndromes, Hereditary; Tumor predisposition; Hereditary Cancer Syndrome; Hereditary neoplastic syndrome. Identifiers: Orphanet 140162, MedGen C0027672, MeSH D009386, MONDO:0015356.
BAP1-related tumor predisposition syndrome (TPDS1). Also called: BAP1 tumor predisposition syndrome; Tumor susceptibility linked to germline BAP1 mutations; COMMON Syndrome; TUMOR PREDISPOSITION SYNDROME 1. Identifiers: Orphanet 289539, MedGen C3280492, MONDO:0013692, OMIM 614327.

Submissions (2):

Ambry Genetics
Classification: Pathogenic for Hereditary cancer-predisposing syndrome. Last evaluated: 2025-12-17. Review status: criteria provided, single submitter. Criteria: Ambry Variant Classification Scheme 2023. Collection method: clinical testing. Allele origin: germline.
Comment: The c.1253dupA pathogenic mutation, located in coding exon 13 of the BAP1 gene, results from a duplication of A at nucleotide position 1253, causing a translational frameshift with a predicted alternate stop codon (p.Y418*). This variant is considered to be rare based on population cohorts in the Genome Aggregation Database (gnomAD). This alteration is expected to result in loss of function by premature protein truncation or nonsense-mediated mRNA decay. As such, this alteration is interpreted as a disease-causing mutation.

Myriad Genetics, Inc.
Classification: Pathogenic for BAP1-related tumor predisposition syndrome. Last evaluated: 2023-05-17. Review status: criteria provided, single submitter. Criteria: Myriad Autosomal Dominant, Autosomal Recessive and X-Linked Classification Criteria (2023). Collection method: clinical testing. Allele origin: unknown.
Comment: This variant is considered pathogenic. This variant creates a termination codon and is predicted to result in premature protein truncation.

NM_004656.4(BAP1):c.1253dup (p.Tyr418Ter)

Gene: BAP1 (BRCA1 associated deubiquitinase 1; minus strand). Cytogenetic location: 3p21.1.
Variant type: Duplication.
Coding change: c.1253dup on transcript NM_004656.4 (MANE Select); coding-DNA position 1253, one base duplicated (A; older notation c.1253dupA).
Protein change: p.Tyr418Ter; replaces tyrosine 418 with a stop codon.
Molecular consequence: nonsense.
Genome position (GRCh38, 1-based): chr3:52,403,892, T duplicated on the plus strand (A on the coding strand, the reverse complement: BAP1 is on the minus strand). VCF-style (leftmost placement, unchanged base first): chr3-52403891-A-AT. GRCh37 (hg19) VCF-style: chr3-52437907-A-AT.
Other names: c.1253dupA (NM_004656.2); c.1199dup, p.Tyr400Ter (NM_001410772.1); short protein forms Y400*, Y418*.
Identifiers: ClinVar variation 2583739 (VCV002583739.3), dbSNP rs2471330617, ClinGen allele CA2582342861.